The following is an entry in ClinVar:

ClinVar aggregate classification (germline): Uncertain significance (1 of 4 stars; one submission).

Submission:

GeneDx
Classification: Uncertain significance. Last evaluated: 2022-07-13. Review status: criteria provided, single submitter. Criteria: GeneDx Variant Classification Process June 2021. Collection method: clinical testing. Allele origin: germline. Affected: yes.
Comment: Not observed at significant frequency in large population cohorts (gnomAD); In silico analysis supports a deleterious effect on protein structure/function; Has not been previously published as pathogenic or benign to our knowledge

NM_001378120.1(MBD5):c.1835_1837delinsTCT (p.Gly612_Asn613delinsValTyr)

Gene: MBD5 (methyl-CpG binding domain protein 5; plus strand). Cytogenetic location: 2q23.1.
Variant type: Indel.
Coding change: c.1835_1837delinsTCT on transcript NM_001378120.1 (MANE Select); coding-DNA positions 1835 to 1837, GCA replaced by TCT.
Protein change: p.Gly612_Asn613delinsValTyr.
Molecular consequence: missense variant.
Genome position (GRCh38, 1-based): chr2:148,469,778-148,469,780, GCA replaced by TCT. VCF-style: chr2-148469778-GCA-TCT. GRCh37 (hg19) VCF-style: chr2-149227347-GCA-TCT.
Other names: c.1835_1837delinsTCT, p.Gly612_Asn613delinsValTyr (NM_018328.5).
Identifiers: ClinVar variation 1878993 (VCV001878993.1), dbSNP rs2469869716, ClinGen allele CA2580063862.
Genomic context (GRCh38, chr2:148,469,778, plus strand): 5'-ACAAACTTGCTGGTAACAACAGTAGCAGCAGTAGCAATTCTGGAGCTGTTGCCGGCAGTG[GCA>TCT]ACACTGAAGGACATAGCACTTTAAACACCATGTTCCCTCCTACTGCCAACATGCTTCTCC-3'